The following is an entry in ClinVar:

ClinVar aggregate classification (germline): Uncertain significance. Review status: criteria provided, multiple submitters, no conflicts (2 of 4 stars). 5 submissions from 5 submitters: Uncertain significance (5). Last evaluated 2024-11-25.

Conditions:
Dihydropyrimidinase deficiency (DPYSD). Also called: DPH DEFICIENCY; DPYS DEFICIENCY; dihydropyrimidinuria. Identifiers: Orphanet 38874, MedGen C0342803, MONDO:0009111, OMIM 222748.

Allele frequency attached by ClinVar (database versions not stated): ESP Exome Variant Server 0.00031; gnomAD exomes 0.00033; ExAC 0.00034; TOPMed 0.00041; gnomAD 0.00045.
gnomAD v4.1: 494 of 1,614,026 alleles (0.031%); highest among the groups gnomAD compares: Middle Eastern, 0.066%; no homozygotes.

Submissions (5):

Blueprint Genetics
Classification: Uncertain significance. Last evaluated: 2024-11-25. Review status: criteria provided, single submitter. Criteria: ACMG Guidelines, 2015. Collection method: clinical testing. Allele origin: germline.

Labcorp Genetics (formerly Invitae), Labcorp
Classification: Uncertain significance. Last evaluated: 2023-07-21. Review status: criteria provided, single submitter. Criteria: Invitae Variant Classification Sherloc (09022015). Collection method: clinical testing. Allele origin: germline.
Comment: In summary, the available evidence is currently insufficient to determine the role of this variant in disease. Therefore, it has been classified as a Variant of Uncertain Significance. Variants that disrupt the consensus splice site are a relatively common cause of aberrant splicing (PMID: 17576681, 9536098). Algorithms developed to predict the effect of sequence changes on RNA splicing suggest that this variant may create or strengthen a splice site. ClinVar contains an entry for this variant (Variation ID: 361453). This variant has not been reported in the literature in individuals affected with DPYS-related conditions. This variant is present in population databases (rs377073619, gnomAD 0.2%). This sequence change falls in intron 3 of the DPYS gene. It does not directly change the encoded amino acid sequence of the DPYS protein. It affects a nucleotide within the consensus splice site.

GeneDx
Classification: Uncertain significance. Last evaluated: 2022-05-12. Review status: criteria provided, single submitter. Criteria: GeneDx Variant Classification Process June 2021. Collection method: clinical testing. Allele origin: germline. Affected: yes.
Comment: Has not been previously published as pathogenic or benign to our knowledge; In silico analysis, which includes splice predictors and evolutionary conservation, suggests this variant may impact gene splicing. In the absence of RNA/functional studies, the actual effect of this sequence change is unknown.

Illumina Laboratory Services, Illumina
Classification: Uncertain significance for Dihydropyrimidinase deficiency. Last evaluated: 2018-01-12. Review status: criteria provided, single submitter. Criteria: ICSL Variant Classification Criteria 13 December 2019. Collection method: clinical testing. Allele origin: germline.

Breakthrough Genomics
Classification: Uncertain significance. Review status: criteria provided, single submitter. Criteria: ACMG Guidelines, 2015. Collection method: not provided. Allele origin: germline. Inheritance: Autosomal recessive inheritance. Affected: yes.

Literature cited by the submitters: PubMed 17576681 (cited by Labcorp Genetics (formerly Invitae), Labcorp); PubMed 9536098 (cited by Labcorp Genetics (formerly Invitae), Labcorp).

NM_001385.3(DPYS):c.603+5G>A

Gene: DPYS (dihydropyrimidinase; minus strand). Cytogenetic location: 8q22.3.
Variant type: single nucleotide variant.
Coding change: c.603+5G>A on transcript NM_001385.3 (MANE Select); 5 bases into the intron after coding-DNA position 603, G replaced by A.
Molecular consequence: intron variant.
Genome position (GRCh38, 1-based): chr8:104,447,319, C>T on the plus strand (G>A on the coding strand, the complement: DPYS is on the minus strand). VCF-style: chr8-104447319-C-T. GRCh37 (hg19) VCF-style: chr8-105459547-C-T.
Identifiers: ClinVar variation 361453 (VCV000361453.11), dbSNP rs377073619, ClinGen allele CA4838532.